The following is an entry in ClinVar:

NM_001379200.1(TBX1):c.1154C>T (p.Ala385Val)

Gene: TBX1 (T-box transcription factor 1; plus strand). Cytogenetic location: 22q11.21.
Variant type: single nucleotide variant.
Coding change: c.1154C>T on transcript NM_001379200.1 (MANE Select); coding-DNA position 1154, C replaced by T.
Protein change: p.Ala385Val; replaces alanine 385 with valine.
Molecular consequence: missense variant. On other transcripts: intron variant (2).
Genome position (GRCh38, 1-based): chr22:19,766,506, C>T. VCF-style: chr22-19766506-C-T. GRCh37 (hg19) VCF-style: chr22-19754029-C-T.
Other names: c.1127C>T, p.Ala376Val (NM_080647.1); c.1009+504C>T (NM_005992.1, NM_080646.2); short protein forms A376V, A385V.
Identifiers: ClinVar variation 3605122 (VCV003605122.3).

ClinVar aggregate classification (germline): Conflicting classifications of pathogenicity. Review status: criteria provided, conflicting classifications (1 of 4 stars). 2 submissions from 2 submitters: Uncertain significance (1); Likely benign (1). Last evaluated 2025-02-16.

Conditions:
DiGeorge syndrome. Also called: THIRD AND FOURTH PHARYNGEAL POUCH SYNDROME; Catch22. Identifiers: Orphanet 567, MedGen C0012236, MONDO:0008564, OMIM 188400.

gnomAD v4.1: 3 of 1,305,486 alleles (0.00023%); highest among the groups gnomAD compares: Non-Finnish European, 0.00019%; no homozygotes.

Submissions (2):

Laboratory of Genetics, Children's Clinical University Hospital Latvia
Classification: Likely benign. Last evaluated: 2025-02-16. Review status: criteria provided, single submitter. Criteria: ACMG Guidelines, 2015. Collection method: clinical testing. Allele origin: germline. Affected: yes.

Labcorp Genetics (formerly Invitae), Labcorp
Classification: Uncertain significance for DiGeorge syndrome. Last evaluated: 2024-11-10. Review status: criteria provided, single submitter. Criteria: Invitae Variant Classification Sherloc (09022015). Collection method: clinical testing. Allele origin: germline.
Comment: This sequence change replaces alanine, which is neutral and non-polar, with valine, which is neutral and non-polar, at codon 376 of the TBX1 protein (p.Ala376Val). This variant is not present in population databases (gnomAD no frequency). This variant has not been reported in the literature in individuals affected with TBX1-related conditions. An algorithm developed to predict the effect of missense changes on protein structure and function outputs the following: PolyPhen-2: "Benign". The valine amino acid residue is found in multiple mammalian species, which suggests that this missense change does not adversely affect protein function. In summary, the available evidence is currently insufficient to determine the role of this variant in disease. Therefore, it has been classified as a Variant of Uncertain Significance.